The following is an entry in ClinVar:

ClinVar aggregate classification (germline): Uncertain significance. Review status: criteria provided, multiple submitters, no conflicts (2 of 4 stars). 3 submissions from 3 submitters: Uncertain significance (3). Last evaluated 2025-07-11.

Conditions:
Classic or attenuated familial adenomatous polyposis. Identifiers: MedGen CN372698, MONDO:0021057.
Familial adenomatous polyposis 1 (FAP1). Also called: FAMILIAL ADENOMATOUS POLYPOSIS 1, ATTENUATED; POLYPOSIS, ADENOMATOUS INTESTINAL. Identifiers: MedGen C2713442, MONDO:0021056, OMIM 175100. Disease mechanism: loss of function.
Hereditary cancer-predisposing syndrome. Also called: Hereditary neoplastic syndrome; Tumor predisposition; Neoplastic Syndromes, Hereditary; Hereditary Cancer Syndrome. Identifiers: Orphanet 140162, MedGen C0027672, MeSH D009386, MONDO:0015356.

Submissions (3):

Ambry Genetics
Classification: Uncertain significance for Hereditary cancer-predisposing syndrome. Last evaluated: 2025-07-11. Review status: criteria provided, single submitter. Criteria: Ambry Variant Classification Scheme 2023. Collection method: clinical testing. Allele origin: germline.
Comment: The p.N436Y variant (also known as c.1306A>T), located in coding exon 9 of the APC gene, results from an A to T substitution at nucleotide position 1306. The asparagine at codon 436 is replaced by tyrosine, an amino acid with dissimilar properties. This amino acid position is highly conserved in available vertebrate species. In addition, in silico predictors for this gene do not accurately predict pathogenicity. Missense alterations in APC are not a common cause of disease (Spier I et al. Genet Med. 2024 Feb;26(2):100992). Based on the available evidence, the clinical significance of this variant remains unclear.

All of Us Research Program, National Institutes of Health
Classification: Uncertain significance for Classic or attenuated familial adenomatous polyposis. Last evaluated: 2023-11-02. Review status: criteria provided, single submitter. Criteria: ACMG Guidelines, 2015. Collection method: clinical testing. Allele origin: germline. Inheritance: Autosomal dominant inheritance. Observed: 1 variant allele, 1 heterozygote.
Comment: This missense variant replaces asparagine with tyrosine at codon 436 of the APC protein. Computational prediction is inconclusive regarding the impact of this variant on protein structure and function (internally defined REVEL score threshold 0.5 < inconclusive < 0.7, PMID: 27666373). To our knowledge, functional studies have not been reported for this variant. This variant has not been reported in individuals affected with APC-related disorders in the literature. This variant has not been identified in the general population by the Genome Aggregation Database (gnomAD). The available evidence is insufficient to determine the role of this variant in disease conclusively. Therefore, this variant is classified as a Variant of Uncertain Significance.

This study involves interpretation of variants in research participants for the purpose of population health screening. Participant phenotype was not available at the time of variant classification. Additional details can be found in publication PMID: 35346344, PMCID: PMC8962531

Labcorp Genetics (formerly Invitae), Labcorp
Classification: Uncertain significance for Familial adenomatous polyposis 1. Last evaluated: 2023-03-31. Review status: criteria provided, single submitter. Criteria: Invitae Variant Classification Sherloc (09022015). Collection method: clinical testing. Allele origin: germline.
Comment: This sequence change replaces asparagine, which is neutral and polar, with tyrosine, which is neutral and polar, at codon 436 of the APC protein (p.Asn436Tyr). In summary, the available evidence is currently insufficient to determine the role of this variant in disease. Therefore, it has been classified as a Variant of Uncertain Significance. Advanced modeling of protein sequence and biophysical properties (such as structural, functional, and spatial information, amino acid conservation, physicochemical variation, residue mobility, and thermodynamic stability) performed at Invitae indicates that this missense variant is not expected to disrupt APC protein function. ClinVar contains an entry for this variant (Variation ID: 654727). This variant has not been reported in the literature in individuals affected with APC-related conditions. This variant is not present in population databases (gnomAD no frequency).

NM_000038.6(APC):c.1306A>T (p.Asn436Tyr)

Gene: APC (APC regulator of Wnt signaling pathway; plus strand). Cytogenetic location: 5q22.2.
Variant type: single nucleotide variant.
Coding change: c.1306A>T on transcript NM_000038.6 (MANE Select); coding-DNA position 1306, A replaced by T.
Protein change: p.Asn436Tyr; replaces asparagine 436 with tyrosine.
Molecular consequence: missense variant.
Genome position (GRCh38, 1-based): chr5:112,819,338, A>T. VCF-style: chr5-112819338-A-T. GRCh37 (hg19) VCF-style: chr5-112155035-A-T.
Other names: c.1306A>T, p.Asn436Tyr (NM_001127510.3, NM_001354895.2, NM_001354896.2); c.1252A>T, p.Asn418Tyr (NM_001127511.3); c.1336A>T, p.Asn446Tyr (NM_001354897.2); c.1231A>T, p.Asn411Tyr (NM_001354898.2); c.1222A>T, p.Asn408Tyr (NM_001354899.2); c.1129A>T, p.Asn377Tyr (NM_001354900.2, NM_001354901.2); c.1033A>T, p.Asn345Tyr (NM_001354902.2); c.1003A>T, p.Asn335Tyr (NM_001354903.2); and 3 more; short protein forms N153Y, N276Y, N418Y, N345Y, N377Y, N310Y, N408Y, N335Y.
Identifiers: ClinVar variation 654727 (VCV000654727.16), dbSNP rs1580531902, ClinGen allele CA16024167.